The following is an entry in ClinVar:

ClinVar aggregate classification (germline): Uncertain significance. Review status: criteria provided, multiple submitters, no conflicts (2 of 4 stars). 2 submissions from 2 submitters: Uncertain significance (2). Last evaluated 2025-11-10.

Conditions:
Rhabdoid tumor predisposition syndrome 2 (RTPS2). Identifiers: Orphanet 231108, Orphanet 69077, MedGen C2750074, MONDO:0013224, OMIM 613325.
Hereditary cancer-predisposing syndrome. Also called: Hereditary neoplastic syndrome; Neoplastic Syndromes, Hereditary; Tumor predisposition; Hereditary Cancer Syndrome. Identifiers: Orphanet 140162, MedGen C0027672, MeSH D009386, MONDO:0015356.

Allele frequency attached by ClinVar (database versions not stated): gnomAD exomes below 0.00001; TOPMed below 0.00001.
gnomAD v4.1: 2 of 1,614,020 alleles (0.00012%); highest among the groups gnomAD compares: Non-Finnish European, 0.00017%; no homozygotes.

Submissions (2):

Labcorp Genetics (formerly Invitae), Labcorp
Classification: Uncertain significance for Rhabdoid tumor predisposition syndrome 2. Last evaluated: 2025-11-10. Review status: criteria provided, single submitter. Criteria: Invitae Variant Classification Sherloc (09022015). Collection method: clinical testing. Allele origin: germline.
Comment: This sequence change replaces aspartic acid, which is acidic and polar, with asparagine, which is neutral and polar, at codon 87 of the SMARCA4 protein (p.Asp87Asn). This variant is not present in population databases (gnomAD no frequency). This variant has not been reported in the literature in individuals affected with SMARCA4-related conditions. ClinVar contains an entry for this variant (Variation ID: 941120). Invitae Evidence Modeling of protein sequence and biophysical properties (such as structural, functional, and spatial information, amino acid conservation, physicochemical variation, residue mobility, and thermodynamic stability) indicates that this missense variant is not expected to disrupt SMARCA4 protein function with a negative predictive value of 95%. In summary, the available evidence is currently insufficient to determine the role of this variant in disease. Therefore, it has been classified as a Variant of Uncertain Significance.

Ambry Genetics
Classification: Uncertain significance for Hereditary cancer-predisposing syndrome. Last evaluated: 2025-08-13. Review status: criteria provided, single submitter. Criteria: Ambry Variant Classification Scheme 2023. Collection method: clinical testing. Allele origin: germline.

NM_003072.5(SMARCA4):c.259G>A (p.Asp87Asn)

Gene: SMARCA4 (SWI/SNF related BAF chromatin remodeling complex subunit ATPase 4; plus strand). Cytogenetic location: 19p13.2.
Variant type: single nucleotide variant.
Coding change: c.259G>A on transcript NM_003072.5 (MANE Select); coding-DNA position 259, G replaced by A.
Protein change: p.Asp87Asn; replaces aspartic acid 87 with asparagine.
Molecular consequence: missense variant. On other transcripts: non-coding transcript variant (1).
Genome position (GRCh38, 1-based): chr19:10,985,309, G>A. VCF-style: chr19-10985309-G-A. GRCh37 (hg19) VCF-style: chr19-11095985-G-A.
Other names: c.259G>A, p.Asp87Asn (NM_001128844.3, NM_001128845.2, NM_001128846.2 and 4 more transcripts); short protein forms D87N.
Identifiers: ClinVar variation 941120 (VCV000941120.14), dbSNP rs1366085446, ClinGen allele CA404055154.